The following is an entry in ClinVar:

ClinVar aggregate classification (germline): Conflicting classifications of pathogenicity. Review status: criteria provided, conflicting classifications (1 of 4 stars). 16 submissions from 12 submitters: Uncertain significance (6); Benign (2); Likely benign (8). Last evaluated 2026-09-01.

Conditions:
TTN-related disorder. Also called: TTN-related disorders; TTN-related condition; TTN-related disease.
Cardiovascular phenotype. Identifiers: MedGen CN230736.
Autosomal recessive limb-girdle muscular dystrophy type 2J (LGMDR10). Also called: Limb-girdle muscular dystrophy, type 2J; MUSCULAR DYSTROPHY, LIMB-GIRDLE, AUTOSOMAL RECESSIVE 10. Identifiers: Orphanet 140922, MedGen C1837342, MONDO:0012127, OMIM 608807.
Dilated cardiomyopathy 1G (CMD1G). Identifiers: Orphanet 154, MedGen C1858763, MONDO:0011400, OMIM 604145.
Early-onset myopathy with fatal cardiomyopathy (CMYO5). Also called: Salih Myopathy; CONGENITAL MYOPATHY 5 WITH CARDIOMYOPATHY. Identifiers: Orphanet 289377, MedGen C2673677, MONDO:0012714, OMIM 611705. Disease mechanism: loss of function.
Myopathy, myofibrillar, 9, with early respiratory failure (MFM9). Also called: Myopathy, distal, with early respiratory failure, autosomal dominant; EDSTROM MYOPATHY; MYOPATHY, PROXIMAL, WITH EARLY RESPIRATORY MUSCLE INVOLVEMENT; Hereditary myopathy with early respiratory failure. Identifiers: Orphanet 178464, Orphanet 34521, MedGen C1863599, MONDO:0011362, OMIM 603689.
Tibial muscular dystrophy (TMD). Also called: Udd Distal Myopathy – Tibial Muscular Dystrophy; UDD MYOPATHY; Tibial muscular dystrophy, tardive. Identifiers: Orphanet 609, MedGen C1838244, MONDO:0010870, OMIM 600334.

Allele frequency attached by ClinVar (database versions not stated): gnomAD 0.00006; ESP Exome Variant Server 0.00016; TOPMed 0.00021; 1000 Genomes Project 0.00040; 1000 Genomes Project 30x 0.00047.
gnomAD v4.1: 389 of 1,613,658 alleles (0.024%); highest among the groups gnomAD compares: Admixed American, 0.15%; 2 homozygotes.

Submissions (17):

CeGaT Center for Human Genetics Tuebingen
Classification: Likely benign. Last evaluated: 2026-09-01. Review status: criteria provided, single submitter. Criteria: CeGaT Center For Human Genetics Tuebingen Variant Classification Criteria Version 2. Collection method: clinical testing. Allele origin: germline. Affected: yes. Observed: 3 variant alleles.
Comment: TTN: BS2

Labcorp Genetics (formerly Invitae), Labcorp
Classification: Likely benign for Dilated cardiomyopathy 1G; Autosomal recessive limb-girdle muscular dystrophy type 2J. Last evaluated: 2026-01-26. Review status: criteria provided, single submitter. Criteria: Invitae Variant Classification Sherloc (09022015). Collection method: clinical testing. Allele origin: germline.

Revvity Omics, Revvity
Classification: Uncertain significance. Last evaluated: 2025-06-26. Review status: criteria provided, single submitter. Criteria: ACMG Guidelines, 2015. Collection method: clinical testing. Allele origin: germline.

PreventionGenetics, part of Exact Sciences
Classification: Likely benign for TTN-related condition. Last evaluated: 2025-05-28. Review status: criteria provided, single submitter. Criteria: ACMG Guidelines, 2015. Collection method: clinical testing. Allele origin: germline.
Comment: This variant is classified as likely benign based on ACMG/AMP sequence variant interpretation guidelines (Richards et al. 2015 PMID: 25741868, with internal and published modifications).

Molecular Diagnostic Laboratory for Inherited Cardiovascular Disease, Montreal Heart Institute
Classification: Likely benign. Last evaluated: 2025-04-09. Review status: criteria provided, single submitter. Criteria: ACMG Guidelines, 2015. Collection method: clinical testing. Allele origin: germline. Affected: no.

Women's Health and Genetics/Laboratory Corporation of America, LabCorp
Classification: Likely benign. Last evaluated: 2025-02-10. Review status: criteria provided, single submitter. Criteria: LabCorp Variant Classification Summary - May 2015. Collection method: clinical testing. Allele origin: germline.
Comment: Variant summary: TTN c.89627G>C (p.Arg29876Pro) results in a non-conservative amino acid change located in the A-band of the encoded protein sequence. Three of four in-silico tools predict a damaging effect of the variant on protein function. The variant allele was found at a frequency of 0.0003 in 248358 control chromosomes, predominantly at a frequency of 0.0012 within the Latino subpopulation in the gnomAD database. The observed variant frequency within Latino control individuals in the gnomAD database is approximately 3 fold of the estimated maximal expected allele frequency for a pathogenic variant in TTN causing Dilated Cardiomyopathy phenotype (0.00039). To our knowledge, no occurrence of c.89627G>C in individuals affected with Dilated Cardiomyopathy and no experimental evidence demonstrating its impact on protein function have been reported. ClinVar contains an entry for this variant (Variation ID: 191841). Based on the evidence outlined above, the variant was classified as likely benign.

Blueprint Genetics
Classification: Likely benign. Last evaluated: 2024-08-20. Review status: criteria provided, single submitter. Criteria: ACMG Guidelines, 2015. Collection method: clinical testing. Allele origin: germline.

GeneDx
Classification: Likely benign. Last evaluated: 2022-03-24. Review status: criteria provided, single submitter. Criteria: GeneDx Variant Classification Process June 2021. Collection method: clinical testing. Allele origin: germline. Affected: yes.

Ambry Genetics
Classification: Likely benign for Cardiovascular phenotype. Last evaluated: 2020-02-26. Review status: criteria provided, single submitter. Criteria: Ambry Variant Classification Scheme 2023. Collection method: clinical testing. Allele origin: germline.

Illumina Laboratory Services, Illumina
Classification: Uncertain significance for Dilated cardiomyopathy 1G. Last evaluated: 2018-01-13. Review status: criteria provided, single submitter. Criteria: ICSL Variant Classification Criteria 13 December 2019. Collection method: clinical testing. Allele origin: germline.

Illumina Laboratory Services, Illumina
Classification: Uncertain significance for Autosomal recessive limb-girdle muscular dystrophy type 2J. Last evaluated: 2018-01-13. Review status: criteria provided, single submitter. Criteria: ICSL Variant Classification Criteria 13 December 2019. Collection method: clinical testing. Allele origin: germline.

Illumina Laboratory Services, Illumina
Classification: Benign for Tibial muscular dystrophy. Last evaluated: 2018-01-13. Review status: criteria provided, single submitter. Criteria: ICSL Variant Classification Criteria 13 December 2019. Collection method: clinical testing. Allele origin: germline.
Comment: This variant was observed in the ICSL laboratory as part of a predisposition screen in an ostensibly healthy population. It had not been previously curated by ICSL or reported in the Human Gene Mutation Database (HGMD: prior to June 1st, 2018), and was therefore a candidate for classification through an automated scoring system. Utilizing variant allele frequency, disease prevalence and penetrance estimates, and inheritance mode, an automated score was calculated to assess if this variant is too frequent to cause the disease. Based on the score and internal cut-off values, a variant classified as benign is not then subjected to further curation. The score for this variant resulted in a classification of benign for this disease.

Illumina Laboratory Services, Illumina
Classification: Benign for Myopathy, myofibrillar, 9, with early respiratory failure. Last evaluated: 2018-01-13. Review status: criteria provided, single submitter. Criteria: ICSL Variant Classification Criteria 13 December 2019. Collection method: clinical testing. Allele origin: germline.
Comment: the same text as in the submission from Illumina Laboratory Services, Illumina above.

Illumina Laboratory Services, Illumina
Classification: Uncertain significance for Early-onset myopathy with fatal cardiomyopathy. Last evaluated: 2018-01-13. Review status: criteria provided, single submitter. Criteria: ICSL Variant Classification Criteria 13 December 2019. Collection method: clinical testing. Allele origin: germline.

Eurofins Ntd Llc (ga)
Classification: Uncertain significance. Last evaluated: 2017-12-22. Review status: criteria provided, single submitter. Criteria: EGL Classification Definitions 2015. Collection method: clinical testing. Allele origin: germline. Observed: 10 variant alleles, 10 heterozygotes.

Biesecker Lab/Clinical Genomics Section, National Institutes of Health
Classification: Uncertain significance. Last evaluated: 2013-06-24. Review status: criteria provided, single submitter. Criteria: Ng et al. (Circ Cardiovasc Genet. 2013). Collection method: research. Allele origin: unknown. Observed: 1 variant allele. Study: ClinSeq.
Comment: The study set was not selected for affection status in relation to any cancer. Pathogenicity categories were based on literature curation. See Pubmed ID:23861362 for details.

Medical sequencing

Dr. Peter K. Rogan Lab, Western University
No classification provided (evidence only). Condition: Lung cancer. Review status: no classification provided. Collection method: in vitro. Allele origin: not applicable. Functional consequence: retained intron. Not counted in ClinVar's aggregate classification.

NM_001267550.2(TTN):c.97331G>C (p.Arg32444Pro)

Genes: TTN (titin; minus strand), TTN-AS1 (TTN antisense RNA 1; plus strand). Cytogenetic location: 2q31.2.
Variant type: single nucleotide variant.
Coding change: c.97331G>C on transcript NM_001267550.2 (MANE Select); coding-DNA position 97331, G replaced by C.
Protein change: p.Arg32444Pro; replaces arginine 32444 with proline.
Molecular consequence: missense variant.
Genome position (GRCh38, 1-based): chr2:178,542,425, C>G on the plus strand (G>C on the coding strand, the complement: TTN is on the minus strand). VCF-style: chr2-178542425-C-G. GRCh37 (hg19) VCF-style: chr2-179407152-C-G.
Other names: p.R30803P:CGT>CCT; c.92408G>C, p.Arg30803Pro (NM_001256850.1); c.70136G>C, p.Arg23379Pro (NM_003319.4); c.89627G>C, p.Arg29876Pro (NM_133378.4); c.70511G>C, p.Arg23504Pro (NM_133432.3); c.70712G>C, p.Arg23571Pro (NM_133437.4); c.97331G>C (NM_001267550.1); short protein forms R29876P, R32444P, R30803P, R23379P, R23504P, R23571P.
Identifiers: ClinVar variation 191841 (VCV000191841.34), dbSNP rs184922462, ClinGen allele CA302407.